The following is an entry in ClinVar:

ClinVar aggregate classification (germline): Uncertain significance. Review status: criteria provided, multiple submitters, no conflicts (2 of 4 stars). 2 submissions from 2 submitters: Uncertain significance (2). Last evaluated 2024-10-18.

Conditions:
Dilated cardiomyopathy 1G (CMD1G). Identifiers: Orphanet 154, MedGen C1858763, MONDO:0011400, OMIM 604145.
Autosomal recessive limb-girdle muscular dystrophy type 2J (LGMDR10). Also called: Limb-girdle muscular dystrophy, type 2J; MUSCULAR DYSTROPHY, LIMB-GIRDLE, AUTOSOMAL RECESSIVE 10. Identifiers: Orphanet 140922, MedGen C1837342, MONDO:0012127, OMIM 608807.

Allele frequency attached by ClinVar (database versions not stated): gnomAD exomes below 0.00001 and 0.00001; TOPMed below 0.00001; ExAC 0.00001; gnomAD 0.00001 and 0.00002.
gnomAD v4.1: 5 of 1,613,836 alleles (0.00031%); highest among the groups gnomAD compares: Admixed American, 0.0067%; no homozygotes.

Submissions (2):

Labcorp Genetics (formerly Invitae), Labcorp
Classification: Uncertain significance for Dilated cardiomyopathy 1G; Autosomal recessive limb-girdle muscular dystrophy type 2J. Last evaluated: 2024-10-18. Review status: criteria provided, single submitter. Criteria: Invitae Variant Classification Sherloc (09022015). Collection method: clinical testing. Allele origin: germline.
Comment: This sequence change replaces serine, which is neutral and polar, with leucine, which is neutral and non-polar, at codon 34950 of the TTN protein (p.Ser34950Leu). This variant is present in population databases (rs762789368, gnomAD 0.006%). This variant has not been reported in the literature in individuals affected with TTN-related conditions. ClinVar contains an entry for this variant (Variation ID: 1693829). Experimental studies and prediction algorithms are not available or were not evaluated, and the functional significance of this variant is currently unknown. This variant is located in the M band of TTN (PMID: 25589632). Non-truncating variants in this region may be relevant for neuromuscular disorders, but have not been definitively shown to cause cardiomyopathy (PMID: 23975875). In summary, the available evidence is currently insufficient to determine the role of this variant in disease. Therefore, it has been classified as a Variant of Uncertain Significance.

Mayo Clinic Laboratories, Mayo Clinic
Classification: Uncertain significance. Last evaluated: 2018-04-23. Review status: criteria provided, single submitter. Criteria: ACMG Guidelines, 2015. Collection method: clinical testing. Allele origin: germline.

Literature cited by the submitters: PubMed 25589632 (cited by Labcorp Genetics (formerly Invitae), Labcorp); PubMed 23975875 (cited by Labcorp Genetics (formerly Invitae), Labcorp).

NM_001267550.2(TTN):c.104849C>T (p.Ser34950Leu)

Genes: TTN (titin; minus strand), TTN-AS1 (TTN antisense RNA 1; plus strand). Cytogenetic location: 2q31.2.
Variant type: single nucleotide variant.
Coding change: c.104849C>T on transcript NM_001267550.2 (MANE Select); coding-DNA position 104849, C replaced by T.
Protein change: p.Ser34950Leu; replaces serine 34950 with leucine.
Molecular consequence: missense variant.
Genome position (GRCh38, 1-based): chr2:178,531,766, G>A on the plus strand (C>T on the coding strand, the complement: TTN is on the minus strand). VCF-style: chr2-178531766-G-A. GRCh37 (hg19) VCF-style: chr2-179396493-G-A.
Other names: p.Ser33309Leu; c.99926C>T, p.Ser33309Leu (NM_001256850.1); c.77654C>T, p.Ser25885Leu (NM_003319.4); c.97145C>T, p.Ser32382Leu (NM_133378.4); c.78029C>T, p.Ser26010Leu (NM_133432.3); c.78230C>T, p.Ser26077Leu (NM_133437.4); short protein forms S25885L, S26010L, S26077L, S32382L, S33309L, S34950L.
Identifiers: ClinVar variation 1693829 (VCV001693829.8), dbSNP rs762789368, ClinGen allele CA1985349.